The following is an entry in ClinVar:

ClinVar aggregate classification (germline): Conflicting classifications of pathogenicity. Review status: criteria provided, conflicting classifications (1 of 4 stars). 2 submissions from 2 submitters: Uncertain significance (1); Likely benign (1). Last evaluated 2022-09-01.

Conditions:
Dilated cardiomyopathy 1G (CMD1G). Identifiers: Orphanet 154, MedGen C1858763, MONDO:0011400, OMIM 604145.
Autosomal recessive limb-girdle muscular dystrophy type 2J (LGMDR10). Also called: Limb-girdle muscular dystrophy, type 2J; MUSCULAR DYSTROPHY, LIMB-GIRDLE, AUTOSOMAL RECESSIVE 10. Identifiers: Orphanet 140922, MedGen C1837342, MONDO:0012127, OMIM 608807.

Allele frequency attached by ClinVar (database versions not stated): gnomAD exomes below 0.00001; TOPMed below 0.00001; gnomAD 0.00001.
gnomAD v4.1: 6 of 1,613,502 alleles (0.00037%); highest among the groups gnomAD compares: East Asian, 0.0045%; no homozygotes.

Submissions (2):

CeGaT Center for Human Genetics Tuebingen
Classification: Likely benign. Last evaluated: 2022-09-01. Review status: criteria provided, single submitter. Criteria: CeGaT Center For Human Genetics Tuebingen Variant Classification Criteria Version 2. Collection method: clinical testing. Allele origin: germline. Affected: yes. Observed: 2 variant alleles.
Comment: TTN: BP4, BP7

Labcorp Genetics (formerly Invitae), Labcorp
Classification: Uncertain significance for Dilated cardiomyopathy 1G; Autosomal recessive limb-girdle muscular dystrophy type 2J. Last evaluated: 2018-05-19. Review status: criteria provided, single submitter. Criteria: Invitae Variant Classification Sherloc (09022015). Collection method: clinical testing. Allele origin: germline.
Comment: This sequence change affects codon 31591 of the TTN mRNA. It is a 'silent' change, meaning that it does not change the encoded amino acid sequence of the TTN protein. This variant is not present in population databases (ExAC no frequency). This variant has not been reported in the literature in individuals with TTN-related disease. Algorithms developed to predict the effect of sequence changes on RNA splicing suggest that this variant may create or strengthen a splice site, but this prediction has not been confirmed by published transcriptional studies. In summary, the available evidence is currently insufficient to determine the role of this variant in disease. Therefore, it has been classified as a Variant of Uncertain Significance.

NM_001267550.2(TTN):c.94773C>T (p.Gly31591=)

Genes: TTN (titin; minus strand), TTN-AS1 (TTN antisense RNA 1; plus strand). Cytogenetic location: 2q31.2.
Variant type: single nucleotide variant.
Coding change: c.94773C>T on transcript NM_001267550.2 (MANE Select); coding-DNA position 94773, C replaced by T.
Protein change: p.Gly31591=; no amino-acid change (glycine 31591 retained).
Molecular consequence: synonymous variant.
Genome position (GRCh38, 1-based): chr2:178,546,655, G>A on the plus strand (C>T on the coding strand, the complement: TTN is on the minus strand). VCF-style: chr2-178546655-G-A. GRCh37 (hg19) VCF-style: chr2-179411382-G-A.
Other names: c.89850C>T, p.Gly29950= (NM_001256850.1); c.67578C>T, p.Gly22526= (NM_003319.4); c.87069C>T, p.Gly29023= (NM_133378.4); c.67953C>T, p.Gly22651= (NM_133432.3); c.68154C>T, p.Gly22718= (NM_133437.4).
Identifiers: ClinVar variation 808914 (VCV000808914.43), dbSNP rs897518524, ClinGen allele CA60972507.